The following is an entry in ClinVar:

NM_015089.4(CUL9):c.4552C>T (p.Pro1518Ser)

Gene: CUL9 (cullin 9; plus strand). Cytogenetic location: 6p21.1.
Variant type: single nucleotide variant.
Coding change: c.4552C>T on transcript NM_015089.4 (MANE Select); coding-DNA position 4552, C replaced by T.
Protein change: p.Pro1518Ser; replaces proline 1518 with serine.
Molecular consequence: missense variant.
Genome position (GRCh38, 1-based): chr6:43,205,035, C>T. VCF-style: chr6-43205035-C-T. GRCh37 (hg19) VCF-style: chr6-43172773-C-T.
Other names: c.4552C>T (NM_015089.2); short protein forms P1518S.
Identifiers: ClinVar variation 3035887 (VCV003035887.3), dbSNP rs146237222, ClinGen allele CA3818160.
Genomic context (GRCh38, chr6:43,205,035, plus strand): 5'-GTGCCTCGTTACTGTAAACTCTATGAGCACTTGCAGAGAGCAGGCTCCGAGCTGTTTGGG[C>T]CTCGGGCAGCCTTCATGCTGGCTCTGCGCAGTGGCTTCTCTGGCGCCTTGCTGCAGCAGT-3'
Protein context (NP_055904.1, residues 1508-1528): LQRAGSELFG[Pro1518Ser]RAAFMLALRS

ClinVar aggregate classification (germline): Uncertain significance. Review status: criteria provided, single submitter (1 of 4 stars). 2 submissions from 2 submitters: Uncertain significance (1). 1 of the submissions does not count toward it. Last evaluated 2025-08-05.

Conditions:
CUL9-related disorder. Also called: CUL9-related condition.

Allele frequency attached by ClinVar (database versions not stated): ExAC 0.00043; 1000 Genomes Project 30x 0.00219; gnomAD 0.00117; ESP Exome Variant Server 0.00169; TOPMed 0.00180; 1000 Genomes Project 0.00200.

Submissions (2):

Ambry Genetics
Classification: Uncertain significance. Last evaluated: 2025-08-05. Review status: criteria provided, single submitter. Criteria: Ambry Variant Classification Scheme 2023. Collection method: clinical testing. Allele origin: germline.

PreventionGenetics, part of Exact Sciences
Classification: Likely benign for CUL9-related condition. Last evaluated: 2023-04-11. Review status: no assertion criteria provided. Collection method: clinical testing. Allele origin: germline. Not counted in ClinVar's aggregate classification.
Comment: This variant is classified as likely benign based on ACMG/AMP sequence variant interpretation guidelines (Richards et al. 2015 PMID: 25741868, with internal and published modifications).